The following is an entry in ClinVar:

ClinVar aggregate classification (germline): Uncertain significance. Review status: criteria provided, multiple submitters, no conflicts (2 of 4 stars). 2 submissions from 2 submitters: Uncertain significance (2). Last evaluated 2025-12-15.

Conditions:
Hereditary cancer-predisposing syndrome. Also called: Tumor predisposition; Neoplastic Syndromes, Hereditary; Hereditary Cancer Syndrome; Hereditary neoplastic syndrome. Identifiers: Orphanet 140162, MedGen C0027672, MeSH D009386, MONDO:0015356.
DICER1-related tumor predisposition. Also called: DICER1-related pleuropulmonary blastoma cancer predisposition syndrome; DICER1 syndrome. Identifiers: Orphanet 284343, MedGen C3839822, MONDO:0100216.

Allele frequency attached by ClinVar (database versions not stated): gnomAD 0.00001; gnomAD exomes 0.00001; ExAC 0.00002; TOPMed 0.00002; ESP Exome Variant Server 0.00008.
gnomAD v4.1: 6 of 1,604,170 alleles (0.00037%); highest among the groups gnomAD compares: Non-Finnish European, 0.00043%; no homozygotes.

Submissions (2):

Labcorp Genetics (formerly Invitae), Labcorp
Classification: Uncertain significance for DICER1-related tumor predisposition. Last evaluated: 2025-12-15. Review status: criteria provided, single submitter. Criteria: Invitae Variant Classification Sherloc (09022015). Collection method: clinical testing. Allele origin: germline.
Comment: This sequence change replaces threonine, which is neutral and polar, with alanine, which is neutral and non-polar, at codon 247 of the DICER1 protein (p.Thr247Ala). This variant is present in population databases (rs369189695, gnomAD 0.002%). This variant has not been reported in the literature in individuals affected with DICER1-related conditions. ClinVar contains an entry for this variant (Variation ID: 477283). Invitae Evidence Modeling of protein sequence and biophysical properties (such as structural, functional, and spatial information, amino acid conservation, physicochemical variation, residue mobility, and thermodynamic stability) indicates that this missense variant is not expected to disrupt DICER1 protein function with a negative predictive value of 95%. In summary, the available evidence is currently insufficient to determine the role of this variant in disease. Therefore, it has been classified as a Variant of Uncertain Significance.

Ambry Genetics
Classification: Uncertain significance for Hereditary cancer-predisposing syndrome. Last evaluated: 2024-06-19. Review status: criteria provided, single submitter. Criteria: Ambry Variant Classification Scheme 2023. Collection method: clinical testing. Allele origin: germline.
Comment: The p.T247A variant (also known as c.739A>G), located in coding exon 6 of the DICER1 gene, results from an A to G substitution at nucleotide position 739. The threonine at codon 247 is replaced by alanine, an amino acid with similar properties. This amino acid position is not well conserved in available vertebrate species. In addition, this alteration is predicted to be tolerated by in silico analysis. Since supporting evidence is limited at this time, the clinical significance of this alteration remains unclear.

NM_177438.3(DICER1):c.739A>G (p.Thr247Ala)

Gene: DICER1 (dicer 1, ribonuclease III; minus strand). Cytogenetic location: 14q32.13.
Variant type: single nucleotide variant.
Coding change: c.739A>G on transcript NM_177438.3 (MANE Select); coding-DNA position 739, A replaced by G.
Protein change: p.Thr247Ala; replaces threonine 247 with alanine.
Molecular consequence: missense variant.
Genome position (GRCh38, 1-based): chr14:95,126,744, T>C on the plus strand (A>G on the coding strand, the complement: DICER1 is on the minus strand). VCF-style: chr14-95126744-T-C. GRCh37 (hg19) VCF-style: chr14-95593081-T-C.
Other names: c.739A>G, p.Thr247Ala (NM_001195573.1, NM_001271282.3, NM_001291628.2 and 1 more transcripts); short protein forms T247A.
Identifiers: ClinVar variation 477283 (VCV000477283.16), dbSNP rs369189695, ClinGen allele CA7331573.